The following is an entry in ClinVar:

NM_020975.6(RET):c.832A>G (p.Thr278Ala)

Gene: RET (ret proto-oncogene; plus strand). Cytogenetic location: 10q11.21.
Variant type: single nucleotide variant.
Coding change: c.832A>G on transcript NM_020975.6 (MANE Select); coding-DNA position 832, A replaced by G.
Protein change: p.Thr278Ala; replaces threonine 278 with alanine.
Molecular consequence: missense variant.
Genome position (GRCh38, 1-based): chr10:43,105,158, A>G. VCF-style: chr10-43105158-A-G. GRCh37 (hg19) VCF-style: chr10-43600606-A-G.
Other names: c.832A>G, p.Thr278Ala (NM_000323.2, NM_001406743.1, NM_001406744.1 and 8 more transcripts); c.70A>G, p.Thr24Ala (NM_001355216.2); c.703A>G, p.Thr235Ala (NM_001406761.1, NM_001406762.1, NM_001406764.1 and 2 more transcripts); c.544A>G, p.Thr182Ala (NM_001406766.1, NM_001406767.1, NM_001406770.1); short protein forms T278A, T24A, T235A, T182A.
Identifiers: ClinVar variation 220205 (VCV000220205.18), dbSNP rs541929171, ClinGen allele CA045050.

ClinVar aggregate classification (germline): Conflicting classifications of pathogenicity. Review status: criteria provided, conflicting classifications (1 of 4 stars). 8 submissions from 8 submitters: Pathogenic (1); Uncertain significance (6). 1 of the submissions does not count toward it. Last evaluated 2026-01-18.

Conditions:
Pheochromocytoma. Also called: MAX-Related Hereditary Paraganglioma-Pheochromocytoma Syndrome. Identifiers: Orphanet 29072, MedGen C0031511, MONDO:0008233, OMIM 171300, HP:0002666.
Hirschsprung disease, susceptibility to, 1 (HSCR1). Also called: RET-Related Hirschsprung Disease. Identifiers: Orphanet 388, MedGen C3888239, MONDO:0007723, OMIM 142623.
Familial medullary thyroid carcinoma (MTC). Also called: Thyroid cancer, familial medullary; MTC, familial; Familial Medullary Thyroid Carcinoma (FMTC). Identifiers: Orphanet 653, Orphanet 99361, MedGen C1833921, MONDO:0007958, OMIM 155240.
Multiple endocrine neoplasia type 2B. Also called: WAGENMANN-FROBOESE SYNDROME; MULTIPLE ENDOCRINE NEOPLASIA, TYPE III; MEN 2B; MUCOSAL NEUROMA SYNDROME; MULTIPLE ENDOCRINE NEOPLASIA, TYPE IIB; MEN IIB. Identifiers: Orphanet 247709, Orphanet 653, MedGen C0025269, MeSH D018814, MONDO:0008082, OMIM 162300.
Multiple endocrine neoplasia type 2A. Also called: MULTIPLE ENDOCRINE NEOPLASIA, TYPE IIA; PTC SYNDROME; SIPPLE SYNDROME; MEN 2A; MEN-2A syndrome; Pheochromocytoma and amyloid producing medullary thyroid carcinoma. Identifiers: Orphanet 247698, Orphanet 653, MedGen C0025268, MeSH D018813, MONDO:0008234, OMIM 171400.
Hereditary cancer-predisposing syndrome. Also called: Tumor predisposition; Hereditary neoplastic syndrome; Neoplastic Syndromes, Hereditary; Hereditary Cancer Syndrome. Identifiers: Orphanet 140162, MedGen C0027672, MeSH D009386, MONDO:0015356.
Multiple endocrine neoplasia, type 2 (MEN2). Identifiers: Orphanet 653, MedGen C4048306, MONDO:0019003. Disease mechanism: gain of function.

Allele frequency attached by ClinVar (database versions not stated): TOPMed below 0.00001; gnomAD 0.00001; gnomAD exomes 0.00001 and 0.00003; ExAC 0.00002; 1000 Genomes Project 30x 0.00016; 1000 Genomes Project 0.00020.
gnomAD v4.1: 13 of 1,612,722 alleles (0.00081%); highest among the groups gnomAD compares: East Asian, 0.029%; no homozygotes.

Submissions (8):

Labcorp Genetics (formerly Invitae), Labcorp
Classification: Uncertain significance for Multiple endocrine neoplasia, type 2. Last evaluated: 2026-01-18. Review status: criteria provided, single submitter. Criteria: Invitae Variant Classification Sherloc (09022015). Collection method: clinical testing. Allele origin: germline.
Comment: This sequence change replaces threonine, which is neutral and polar, with alanine, which is neutral and non-polar, at codon 278 of the RET protein (p.Thr278Ala). This variant is present in population databases (rs541929171, gnomAD 0.03%). This missense change has been observed in individual(s) with Hirschsprung disease (PMID: 22174939). ClinVar contains an entry for this variant (Variation ID: 220205). An algorithm developed to predict the effect of missense changes on protein structure and function (PolyPhen-2) suggests that this variant is likely to be tolerated. In summary, the available evidence is currently insufficient to determine the role of this variant in disease. Therefore, it has been classified as a Variant of Uncertain Significance.

Genesolutions, Medical Genetics Institutes, Ho Chi Minh City, Vietnam
Classification: Pathogenic for Multiple endocrine neoplasia type 2A. Last evaluated: 2025-09-24. Review status: criteria provided, single submitter. Criteria: ACMG Guidelines, 2015. Collection method: clinical testing. Allele origin: germline. Affected: yes.

Ambry Genetics
Classification: Uncertain significance for Hereditary cancer-predisposing syndrome. Last evaluated: 2025-03-11. Review status: criteria provided, single submitter. Criteria: Ambry Variant Classification Scheme 2023. Collection method: clinical testing. Allele origin: germline.
Comment: The p.T278A variant (also known as c.832A>G), located in coding exon 4 of the RET gene, results from an A to G substitution at nucleotide position 832. The threonine at codon 278 is replaced by alanine, an amino acid with similar properties. This alteration was reported in several Chinese or Vietnamese probands with Hirschsprung disease (So MT et al. PLoS ONE 2011 Dec;6(12):e28986; Tang CS et al. Gastroenterology. 2018 12;155:1908-1922.e5). This alteration was identified in 0/245 Chinese patients with MEN2, medullary thyroid carcinoma, and/ or pheochromocytoma and 1/493 of their unaffected relatives (Qi XP et al. BMC Cancer. 2021 Apr;21:369). This variant has been detected in multiple individuals with no reported features of multiple endocrine neoplasia type 2 (Ambry internal data). Based on data from gnomAD, the frequency for this variant is above the maximum credible frequency for a MEN2-causing variant in this gene based on internally established thresholds (Karczewski et al. Nature. 2020 May;581(7809):434-443; Whiffin et al. Genet Med. 2017 10;19:1151-1158). This amino acid position is well conserved in available vertebrate species. In addition, the in silico prediction for this alteration is inconclusive. Based on the supporting evidence, the association of this alteration with Hirschsprung disease is unknown; however, the association of this alteration with MEN2 is unlikely.

GeneDx
Classification: Uncertain significance. Last evaluated: 2024-12-04. Review status: criteria provided, single submitter. Criteria: GeneDx Variant Classification Process June 2021. Collection method: clinical testing. Allele origin: germline. Affected: yes.
Comment: Present in several individuals with Hirschsprung disease as well as an individual with paraganglioma (PMID: 34750850, 30217742, 22174939); In silico analysis indicates that this missense variant does not alter protein structure/function; This variant is associated with the following publications: (PMID: 14633923, 34750850, 30217742, 22174939, 33827484, 32066498)

All of Us Research Program, National Institutes of Health
Classification: Uncertain significance for Multiple endocrine neoplasia, type 2. Last evaluated: 2024-08-06. Review status: criteria provided, single submitter. Criteria: ACMG Guidelines, 2015. Collection method: clinical testing. Allele origin: germline. Inheritance: Autosomal dominant inheritance. Observed: 3 variant alleles, 3 heterozygotes.
Comment: This missense variant replaces threonine with alanine at codon 278 of the RET protein. Computational prediction suggests that this variant may not impact protein structure and function (internally defined REVEL score threshold <= 0.5, PMID: 27666373). To our knowledge, functional studies have not been reported for this variant. This variant has been reported in an individual affected with paraganglioma (PMID: 34750850). This variant has been identified in 7/245974 chromosomes in the general population by the Genome Aggregation Database (gnomAD). The available evidence is insufficient to determine the role of this variant in disease conclusively. Therefore, this variant is classified as a Variant of Uncertain Significance.

This study involves interpretation of variants in research participants for the purpose of population health screening. Participant phenotype was not available at the time of variant classification. Additional details can be found in publication PMID: 35346344, PMCID: PMC8962531

Color Diagnostics, LLC DBA Color Health
Classification: Uncertain significance for Multiple endocrine neoplasia, type 2. Last evaluated: 2023-11-28. Review status: criteria provided, single submitter. Criteria: ACMG Guidelines, 2015. Collection method: clinical testing. Allele origin: germline.
Comment: This missense variant replaces threonine with alanine at codon 278 of the RET protein. Computational prediction suggests that this variant may not impact protein structure and function. To our knowledge, functional studies have not been reported for this variant. This variant has been reported in an individual affected with paraganglioma (PMID: 34750850). This variant has been identified in 7/245974 chromosomes in the general population by the Genome Aggregation Database (gnomAD). The available evidence is insufficient to determine the role of this variant in disease conclusively. Therefore, this variant is classified as a Variant of Uncertain Significance.

Fulgent Genetics
Classification: Uncertain significance for Hirschsprung disease, susceptibility to, 1; Familial medullary thyroid carcinoma; Multiple endocrine neoplasia type 2B; Pheochromocytoma; Multiple endocrine neoplasia type 2A. Last evaluated: 2021-10-15. Review status: criteria provided, single submitter. Criteria: ACMG Guidelines, 2015. Collection method: clinical testing. Allele origin: unknown.

Counsyl
Classification: Uncertain significance for Multiple endocrine neoplasia type 2A. Last evaluated: 2017-03-28. Review status: no assertion criteria provided. Collection method: clinical testing. Allele origin: unknown. Not counted in ClinVar's aggregate classification.

Literature cited by the submitters: PubMed 22174939 (cited by Labcorp Genetics (formerly Invitae), Labcorp and Ambry Genetics); PubMed 30217742 (cited by Ambry Genetics); PubMed 33827484 (cited by Ambry Genetics); PubMed 34750850 (cited by All of Us Research Program, National Institutes of Health and Color Diagnostics, LLC DBA Color Health).